The following is an entry in ClinVar:

NM_001164508.2(NEB):c.25136T>G (p.Leu8379Ter)

Genes: NEB (nebulin; minus strand), RIF1 (replication timing regulatory factor 1; plus strand). Cytogenetic location: 2q23.3.
Variant type: single nucleotide variant.
Coding change: c.25136T>G on transcript NM_001164508.2 (MANE Select); coding-DNA position 25136, T replaced by G.
Protein change: p.Leu8379Ter; replaces leucine 8379 with a stop codon.
Molecular consequence: nonsense.
Genome position (GRCh38, 1-based): chr2:151,491,697, A>C on the plus strand (T>G on the coding strand, the complement: NEB is on the minus strand). VCF-style: chr2-151491697-A-C. GRCh37 (hg19) VCF-style: chr2-152348211-A-C.
Other names: c.25136T>G, p.Leu8379Ter (NM_001164507.2); c.25241T>G, p.Leu8414Ter (NM_001271208.2); c.19568T>G, p.Leu6523Ter (NM_004543.5); short protein forms L8414*, L8379*, L6523*.
Identifiers: ClinVar variation 633334 (VCV000633334.13), dbSNP rs760200697, ClinGen allele CA1905811.

ClinVar aggregate classification (germline): Pathogenic. Review status: criteria provided, multiple submitters, no conflicts (2 of 4 stars). 4 submissions from 4 submitters: Pathogenic (3). 1 of the submissions does not count toward it. Last evaluated 2024-04-25.

Conditions:
Arthrogryposis multiplex congenita 6. Identifiers: MedGen C5543431, MONDO:0030281, OMIM 619334.
Nemaline myopathy. Also called: Myopathies, Nemaline. Identifiers: Orphanet 607, MedGen C0206157, MONDO:0018958.
Nemaline myopathy 2 (NEM2). Also called: Nemaline myopathy 2, autosomal recessive. Identifiers: MedGen C1850569, MONDO:0009725, OMIM 256030.

Allele frequency attached by ClinVar (database versions not stated): gnomAD exomes below 0.00001 and 0.00001; ExAC 0.00002.
gnomAD v4.1: 7 of 1,593,618 alleles (0.00044%); highest among the groups gnomAD compares: Non-Finnish European, 0.0006%; no homozygotes.

Submissions (4):

Labcorp Genetics (formerly Invitae), Labcorp
Classification: Pathogenic for Nemaline myopathy 2. Last evaluated: 2024-04-25. Review status: criteria provided, single submitter. Criteria: Invitae Variant Classification Sherloc (09022015). Collection method: clinical testing. Allele origin: germline.
Comment: This sequence change creates a premature translational stop signal (p.Leu8414*) in the NEB gene. It is expected to result in an absent or disrupted protein product. Loss-of-function variants in NEB are known to be pathogenic (PMID: 25205138). This variant is present in population databases (rs760200697, gnomAD 0.001%). This variant has not been reported in the literature in individuals affected with NEB-related conditions. This variant is also known as p.L6523*. ClinVar contains an entry for this variant (Variation ID: 633334). For these reasons, this variant has been classified as Pathogenic.

Baylor Genetics
Classification: Pathogenic for Arthrogryposis multiplex congenita 6. Last evaluated: 2024-02-24. Review status: criteria provided, single submitter. Criteria: ACMG Guidelines, 2015. Collection method: clinical testing. Allele origin: unknown.

Women's Health and Genetics/Laboratory Corporation of America, LabCorp
Classification: Pathogenic for Nemaline myopathy. Last evaluated: 2018-01-19. Review status: criteria provided, single submitter. Criteria: LabCorp Variant Classification Summary - May 2015. Collection method: clinical testing. Allele origin: germline.
Comment: Variant summary: The NEB c.25241T>G (p.Leu8414X) variant results in a premature termination codon, predicted to cause a truncated or absent NEB protein due to nonsense mediated decay, which are commonly known mechanisms for disease.This variant was found in 1/218132 control chromosomes (gnomAD and publication controls) at a frequency of 0.0000046, which does not exceed the estimated maximal expected allele frequency of a pathogenic NEB variant (0.0035355). Multiple publications have cited the variant in affected compound heterozygote individuals with Nemaline Myopathy. The variant of interest has not, to our knowledge, been cited by clinical diagnostic laboratories. Taken together, this variant is classified as Pathogenic.

Natera, Inc.
Classification: Pathogenic for Nemaline myopathy type 2. Last evaluated: 2021-03-04. Review status: no assertion criteria provided. Collection method: clinical testing. Allele origin: germline. Not counted in ClinVar's aggregate classification.

Literature cited by the submitters: PubMed 25205138 (cited by Labcorp Genetics (formerly Invitae), Labcorp); PubMed 15336686 (cited by Women's Health and Genetics/Laboratory Corporation of America, LabCorp); PubMed 25356970 (cited by Women's Health and Genetics/Laboratory Corporation of America, LabCorp); PubMed 16917880 (cited by Women's Health and Genetics/Laboratory Corporation of America, LabCorp); PubMed 12207938 (cited by Women's Health and Genetics/Laboratory Corporation of America, LabCorp).